The following is an entry in ClinVar:

ClinVar aggregate classification (germline): Uncertain significance (1 of 4 stars; one submission).

Conditions:
Hereditary cancer-predisposing syndrome. Also called: Neoplastic Syndromes, Hereditary; Tumor predisposition; Hereditary Cancer Syndrome; Hereditary neoplastic syndrome. Identifiers: Orphanet 140162, MedGen C0027672, MeSH D009386, MONDO:0015356.

Submission:

Ambry Genetics
Classification: Uncertain significance for Hereditary cancer-predisposing syndrome. Last evaluated: 2025-08-13. Review status: criteria provided, single submitter. Criteria: Ambry Variant Classification Scheme 2023. Collection method: clinical testing. Allele origin: germline.
Comment: The p.V674G variant (also known as c.2021T>G), located in coding exon 14 of the PTCH1 gene, results from a T to G substitution at nucleotide position 2021. The valine at codon 674 is replaced by glycine, an amino acid with dissimilar properties. This amino acid position is not well conserved in available vertebrate species. In addition, the in silico prediction for this alteration is inconclusive. Since supporting evidence is limited at this time, the clinical significance of this alteration remains unclear.

NM_000264.5(PTCH1):c.2021T>G (p.Val674Gly)

Genes: PTCH1 (patched 1; minus strand), LOC100507346 (uncharacterized LOC100507346; plus strand). Cytogenetic location: 9q22.32.
Variant type: single nucleotide variant.
Coding change: c.2021T>G on transcript NM_000264.5 (MANE Select); coding-DNA position 2021, T replaced by G.
Protein change: p.Val674Gly; replaces valine 674 with glycine.
Molecular consequence: missense variant. On other transcripts: non-coding transcript variant (2).
Genome position (GRCh38, 1-based): chr9:95,468,980, A>C on the plus strand (T>G on the coding strand, the complement: PTCH1 is on the minus strand). VCF-style: chr9-95468980-A-C. GRCh37 (hg19) VCF-style: chr9-98231262-A-C.
Other names: c.1823T>G, p.Val608Gly (NM_001083602.3); c.2018T>G, p.Val673Gly (NM_001083603.3); c.1568T>G, p.Val523Gly (NM_001083604.3, NM_001083605.3, NM_001083606.3 and 1 more transcripts); c.1865T>G, p.Val622Gly (NM_001354918.2); short protein forms V608G, V523G, V622G, V673G, V674G.
Identifiers: ClinVar variation 1784571 (VCV001784571.3), dbSNP rs1192777342, ClinGen allele CA374115822.